The following is an entry in ClinVar:

NM_000382.3(ALDH3A2):c.623T>C (p.Leu208Pro)

Gene: ALDH3A2 (aldehyde dehydrogenase 3 family member A2; plus strand). Cytogenetic location: 17p11.2.
Variant type: single nucleotide variant.
Coding change: c.623T>C on transcript NM_000382.3 (MANE Select); coding-DNA position 623, T replaced by C.
Protein change: p.Leu208Pro; replaces leucine 208 with proline.
Molecular consequence: missense variant.
Genome position (GRCh38, 1-based): chr17:19,656,517, T>C. VCF-style: chr17-19656517-T-C. GRCh37 (hg19) VCF-style: chr17-19559830-T-C.
Other names: c.623T>C (NM_000382.2); c.623T>C, p.Leu208Pro (NM_001031806.2, NM_001369136.1, NM_001369137.2 and 3 more transcripts); c.44T>C, p.Leu15Pro (NM_001369148.2); short protein forms L208P, L15P.
Identifiers: ClinVar variation 191071 (VCV000191071.3), dbSNP rs786205501, ClinGen allele CA235957.

ClinVar aggregate classification (germline): Likely pathogenic. Review status: criteria provided, single submitter (1 of 4 stars). 3 submissions from 2 submitters: Likely pathogenic (1). 2 of the submissions do not count toward it. Last evaluated 2024-03-14.

Conditions:
Sjögren-Larsson syndrome (SLS). Also called: FALDH DEFICIENCY; FATTY ALCOHOL:NAD+ OXIDOREDUCTASE DEFICIENCY; FATTY ALDEHYDE DEHYDROGENASE DEFICIENCY; ICHTHYOSIS, SPASTIC NEUROLOGIC DISORDER, AND OLIGOPHRENIA. Identifiers: Orphanet 816, MedGen C0037231, MONDO:0010031, OMIM 270200.

Allele frequency attached by ClinVar (database versions not stated): gnomAD exomes below 0.00001; TOPMed below 0.00001; gnomAD 0.00001.
gnomAD v4.1: 6 of 1,614,054 alleles (0.00037%); highest among the groups gnomAD compares: Non-Finnish European, 0.00051%; no homozygotes.

Submissions (3):

Genomic Medicine Center of Excellence, King Faisal Specialist Hospital and Research Centre
Classification: Likely pathogenic for Sjogren-Larsson syndrome. Last evaluated: 2024-03-14. Review status: criteria provided, single submitter. Criteria: ACMG Guidelines, 2015. Collection method: clinical testing. Allele origin: germline.

Natera, Inc.
Classification: Uncertain significance for Sjögren-Larsson syndrome. Last evaluated: 2025-04-22. Review status: no assertion criteria provided. Collection method: clinical testing. Allele origin: germline. Not counted in ClinVar's aggregate classification.

Genomic Medicine Center of Excellence, King Faisal Specialist Hospital and Research Centre
Classification: Likely pathogenic. Review status: flagged submission. Criteria: ACMG Guidelines, 2015. Collection method: research. Allele origin: germline. Affected: yes. Not counted in ClinVar's aggregate classification.
ClinVar note: Reason: This record appears to be redundant with a more recent record from the same submitter.
ClinVar note: Notes: SCV000221448 appears to be redundant with SCV005038854.